The following is an entry in ClinVar:

ClinVar aggregate classification (germline): Conflicting classifications of pathogenicity. Review status: criteria provided, conflicting classifications (1 of 4 stars). 4 submissions from 4 submitters: Uncertain significance (2); Likely benign (1). 1 of the submissions does not count toward it. Last evaluated 2025-02-24.

Conditions:
ZNF335-related disorder. Also called: ZNF335-related condition.
Inborn genetic diseases. Identifiers: MedGen C0950123, MeSH D030342.

Allele frequency attached by ClinVar (database versions not stated): gnomAD exomes 0.00015 and 0.00035; ExAC 0.00047; 1000 Genomes Project 0.00120; 1000 Genomes Project 30x 0.00125; gnomAD 0.00135 and 0.00145; ESP Exome Variant Server 0.00161; TOPMed 0.00163.
gnomAD v4.1: 420 of 1,614,210 alleles (0.026%); highest among the groups gnomAD compares: African/African-American, 0.49%; no homozygotes.

Submissions (4):

Labcorp Genetics (formerly Invitae), Labcorp
Classification: Likely benign. Last evaluated: 2025-02-24. Review status: criteria provided, single submitter. Criteria: Invitae Variant Classification Sherloc (09022015). Collection method: clinical testing. Allele origin: germline.

Ambry Genetics
Classification: Uncertain significance for Inborn genetic diseases. Last evaluated: 2025-02-20. Review status: criteria provided, single submitter. Criteria: Ambry Variant Classification Scheme 2023. Collection method: clinical testing. Allele origin: germline.

GeneDx
Classification: Uncertain significance. Last evaluated: 2019-10-16. Review status: criteria provided, single submitter. Criteria: GeneDx Variant Classification Process June 2021. Collection method: clinical testing. Allele origin: germline. Affected: yes.
Comment: In silico analysis, which includes protein predictors and evolutionary conservation, supports a deleterious effect; Has not been previously published as pathogenic or benign to our knowledge

PreventionGenetics, part of Exact Sciences
Classification: Likely benign for ZNF335-related condition. Last evaluated: 2022-10-19. Review status: no assertion criteria provided. Collection method: clinical testing. Allele origin: germline. Not counted in ClinVar's aggregate classification.
Comment: This variant is classified as likely benign based on ACMG/AMP sequence variant interpretation guidelines (Richards et al. 2015 PMID: 25741868, with internal and published modifications).

NM_022095.4(ZNF335):c.1418G>A (p.Arg473His)

Gene: ZNF335 (zinc finger protein 335; minus strand). Cytogenetic location: 20q13.12.
Variant type: single nucleotide variant.
Coding change: c.1418G>A on transcript NM_022095.4 (MANE Select); coding-DNA position 1418, G replaced by A.
Protein change: p.Arg473His; replaces arginine 473 with histidine.
Molecular consequence: missense variant.
Genome position (GRCh38, 1-based): chr20:45,963,588, C>T on the plus strand (G>A on the coding strand, the complement: ZNF335 is on the minus strand). VCF-style: chr20-45963588-C-T. GRCh37 (hg19) VCF-style: chr20-44592227-C-T.
Other names: short protein forms R473H.
Identifiers: ClinVar variation 1186803 (VCV001186803.13), dbSNP rs137901051, ClinGen allele CA9885734.
Genomic context (GRCh38, chr20:45,963,588, plus strand): 5'-TGGGGATCGCCAGCCTCATGGGAGTTGACGTGGAAGCGCAGGTCCTCGTGGGACAGAAAG[C>T]GAGAACCACAGATGCGGCACAGGAAGGGCCTCAAAAGTGGTTTGGGCGACTTGTAATAGT-3'
Protein context (NP_071378.1, residues 463-483): RPFLCRICGS[Arg473His]FLSHEDLRFH